The following is an entry in ClinVar:

ClinVar aggregate classification (germline): Uncertain significance (1 of 4 stars; one submission).

Allele frequency attached by ClinVar (database versions not stated): gnomAD exomes below 0.00001.
gnomAD v4.1: 3 of 1,614,046 alleles (0.00019%); highest among the groups gnomAD compares: Non-Finnish European, 0.00017%; no homozygotes.

Submission:

Ambry Genetics
Classification: Uncertain significance. Last evaluated: 2021-09-23. Review status: criteria provided, single submitter. Criteria: Ambry Variant Classification Scheme 2023. Collection method: clinical testing. Allele origin: germline.
Comment: The p.I461V variant (also known as c.1381A>G), located in coding exon 13 of the PRKDC gene, results from an A to G substitution at nucleotide position 1381. The isoleucine at codon 461 is replaced by valine, an amino acid with highly similar properties. This amino acid position is conserved. In addition, this alteration is predicted to be tolerated by in silico analysis. Since supporting evidence is limited at this time, the clinical significance of this alteration remains unclear.

NM_006904.7(PRKDC):c.1381A>G (p.Ile461Val)

Gene: PRKDC (protein kinase, DNA-activated, catalytic subunit; minus strand). Cytogenetic location: 8q11.21.
Variant type: single nucleotide variant.
Coding change: c.1381A>G on transcript NM_006904.7 (MANE Select); coding-DNA position 1381, A replaced by G.
Protein change: p.Ile461Val; replaces isoleucine 461 with valine.
Molecular consequence: missense variant.
Genome position (GRCh38, 1-based): chr8:47,935,798, T>C on the plus strand (A>G on the coding strand, the complement: PRKDC is on the minus strand). VCF-style: chr8-47935798-T-C. GRCh37 (hg19) VCF-style: chr8-48848358-T-C.
Other names: c.1381A>G, p.Ile461Val (NM_001081640.2); short protein forms I461V.
Identifiers: ClinVar variation 1771288 (VCV001771288.2), dbSNP rs1334779910, ClinGen allele CA371165796.